The following is an entry in ClinVar:

NM_000059.4(BRCA2):c.4496_4505del (p.Thr1499fs)

Gene: BRCA2 (BRCA2 DNA repair associated; plus strand). Cytogenetic location: 13q13.1.
Variant type: Deletion.
Coding change: c.4496_4505del on transcript NM_000059.4 (MANE Select); coding-DNA positions 4496 to 4505, 10 bases deleted (CTGGAAATCA; older notation c.4496_4505delCTGGAAATCA).
Protein change: p.Thr1499fs; shifts the reading frame from threonine 1499.
Molecular consequence: frameshift variant. On other transcripts: non-coding transcript variant (1), intron variant (2).
Genome position (GRCh38, 1-based): chr13:32,338,851-32,338,860, CTGGAAATCA deleted; deleting any 10 consecutive bases within chr13:32,338,850-32,338,860 gives the same sequence; the c. name uses the placement nearest the transcript's 3' end. VCF-style (leftmost placement, unchanged base first): chr13-32338849-TACTGGAAATC-T. GRCh37 (hg19) VCF-style: chr13-32912986-TACTGGAAATC-T.
Other names: c.4496_4505del, p.Thr1499fs (NM_001406719.1, NM_001406720.1, NM_001432077.1); c.1909+5464_1909+5473del (NM_001406721.1); c.425-5707_425-5698del (NM_001406722.1); short protein forms T1499fs.
Identifiers: ClinVar variation 4812980 (VCV004812980.1).
Genomic context (GRCh38, chr13:32,338,849, plus strand): 5'-AAGTTATGAGGAAACAGACATAGTTAAACACAAAATACTGAAAGAAAGTGTCCCAGTTGG[TACTGGAAATC>T]AACTAGTGACCTTCCAGGGACAACCCGAACGTGATGAAAAGATCAAAGAACCTACTCTAT-3'

ClinVar aggregate classification (germline): Pathogenic (1 of 4 stars; one submission).

Conditions:
Breast-ovarian cancer, familial, susceptibility to, 2 (BROVCA2). Also called: BRCA2 Hereditary Breast and Ovarian Cancer. Identifiers: Orphanet 145, MedGen C2675520, MONDO:0012933, OMIM 612555. Disease mechanism: loss of function.

Submission:

Myriad Genetics, Inc.
Classification: Pathogenic for Breast-ovarian cancer, familial, susceptibility to, 2. Last evaluated: 2025-10-23. Review status: criteria provided, single submitter. Criteria: Myriad Autosomal Dominant, Autosomal Recessive and X-Linked Classification Criteria (2023). Collection method: clinical testing. Allele origin: unknown.
Comment: This variant is considered pathogenic. This variant creates a frameshift predicted to result in premature protein truncation.